The following is an entry in ClinVar:

NM_206933.4(USH2A):c.1585A>C (p.Thr529Pro)

Gene: USH2A (usherin; minus strand). Cytogenetic location: 1q41.
Variant type: single nucleotide variant.
Coding change: c.1585A>C on transcript NM_206933.4 (MANE Select); coding-DNA position 1585, A replaced by C.
Protein change: p.Thr529Pro; replaces threonine 529 with proline.
Molecular consequence: missense variant.
Genome position (GRCh38, 1-based): chr1:216,321,942, T>G on the plus strand (A>C on the coding strand, the complement: USH2A is on the minus strand). VCF-style: chr1-216321942-T-G. GRCh37 (hg19) VCF-style: chr1-216495284-T-G.
Other names: USH2A; c.1585A>C, p.Thr529Pro (NM_007123.6); short protein forms T529P.
Identifiers: ClinVar variation 848645 (VCV000848645.17), dbSNP rs201332729, ClinGen allele CA1396464.

ClinVar aggregate classification (germline): Uncertain significance. Review status: criteria provided, multiple submitters, no conflicts (2 of 4 stars). 11 submissions from 10 submitters: Uncertain significance (10). 1 of the submissions does not count toward it. Last evaluated 2024-12-31.

Conditions:
Hearing impairment. Also called: Impaired Hearing. Identifiers: MedGen C1384666, MONDO:0005365, HP:0000365.
Usher syndrome type 2A. Also called: RETINAL DISEASE IN USHER SYNDROME TYPE IIA, MODIFIER OF; USHER SYNDROME, TYPE IIA. Identifiers: Orphanet 231178, Orphanet 886, MedGen C1848634, MONDO:0010169, OMIM 276901.
Retinitis pigmentosa 39 (RP39). Identifiers: Orphanet 791, MedGen C3151138, MONDO:0013436, OMIM 613809.

Allele frequency attached by ClinVar (database versions not stated): gnomAD 0.00003; gnomAD exomes 0.00003; TOPMed 0.00005; 1000 Genomes Project 30x 0.00016; 1000 Genomes Project 0.00020.
gnomAD v4.1: 57 of 1,613,902 alleles (0.0035%); highest among the groups gnomAD compares: Middle Eastern, 0.083%; no homozygotes.

Submissions (11):

3billion
Classification: Uncertain significance for Retinitis pigmentosa 39. Last evaluated: 2024-12-31. Review status: criteria provided, single submitter. Criteria: ACMG Guidelines, 2015. Collection method: clinical testing. Allele origin: germline. Affected: yes.
Comment: The variant is observed at an extremely low frequency in the gnomAD v4.1.0 dataset (total allele frequency: 0.004%). Predicted Consequence/Location: Missense variant. The majority of the known disease-causing variants of this gene are variants expected to result in premature termination of the protein. In silico tool predictions suggest damaging effect of the variant on gene or gene product [3Cnet: 0.99 (>=0.6, sensitivity 0.72 and precision 0.9)]. The variant has been reported as of uncertain significance (ClinVar ID: VCV000848645). Therefore, this variant is classified as VUS according to the recommendation of ACMG/AMP guideline.

Laboratory of Prof. Karen Avraham, Tel Aviv University
Classification: Uncertain significance for Usher syndrome type 2A. Last evaluated: 2024-12-26. Review status: criteria provided, single submitter. Criteria: ACMG Guidelines, 2015. Collection method: research. Allele origin: germline. Affected: yes. Observed: 1 variant allele.
Comment: The USH2A c.1585A>C:p.(Thr529Pro) variant is very rare and possibly deleterious.

Genome-Nilou Lab
Classification: Uncertain significance for Retinitis pigmentosa 39. Last evaluated: 2023-11-04. Review status: criteria provided, single submitter. Criteria: ACMG Guidelines, 2015. Collection method: clinical testing. Allele origin: germline. Affected: no.

Genome-Nilou Lab
Classification: Uncertain significance for Usher syndrome type 2A. Last evaluated: 2023-11-04. Review status: criteria provided, single submitter. Criteria: ACMG Guidelines, 2015. Collection method: clinical testing. Allele origin: germline. Affected: no.

Blueprint Genetics
Classification: Uncertain significance. Last evaluated: 2023-10-10. Review status: criteria provided, single submitter. Criteria: ACMG Guidelines, 2015. Collection method: clinical testing. Allele origin: germline.

Labcorp Genetics (formerly Invitae), Labcorp
Classification: Uncertain significance. Last evaluated: 2022-07-06. Review status: criteria provided, single submitter. Criteria: Invitae Variant Classification Sherloc (09022015). Collection method: clinical testing. Allele origin: germline.
Comment: This sequence change replaces threonine, which is neutral and polar, with proline, which is neutral and non-polar, at codon 529 of the USH2A protein (p.Thr529Pro). This variant is present in population databases (rs201332729, gnomAD 0.007%). This variant has not been reported in the literature in individuals affected with USH2A-related conditions. ClinVar contains an entry for this variant (Variation ID: 848645). Algorithms developed to predict the effect of missense changes on protein structure and function are either unavailable or do not agree on the potential impact of this missense change (SIFT: "Tolerated"; PolyPhen-2: "Probably Damaging"; Align-GVGD: "Class C0"). In summary, the available evidence is currently insufficient to determine the role of this variant in disease. Therefore, it has been classified as a Variant of Uncertain Significance.

GeneDx
Classification: Uncertain significance. Last evaluated: 2022-01-05. Review status: criteria provided, single submitter. Criteria: GeneDx Variant Classification Process June 2021. Collection method: clinical testing. Allele origin: germline. Affected: yes.
Comment: In silico analysis supports that this missense variant has a deleterious effect on protein structure/function; Has not been previously published as pathogenic or benign to our knowledge

DBGen Ocular Genomics
Classification: Uncertain significance for Retinitis pigmentosa 39. Last evaluated: 2021-06-23. Review status: criteria provided, single submitter. Criteria: ACMG Guidelines, 2015. Collection method: clinical testing. Allele origin: germline. Affected: yes. Observed: 1 variant allele.

Department of Otolaryngology – Head & Neck Surgery, Cochlear Implant Center
Classification: Uncertain significance for Hearing impairment. Last evaluated: 2021-04-12. Review status: criteria provided, single submitter. Criteria: ClinGen HL ACMG Specifications v1. Collection method: clinical testing. Allele origin: germline. Affected: yes.
Comment: PM2_Moderate, PP3_Supporting

Breakthrough Genomics
Classification: Uncertain significance. Review status: criteria provided, single submitter. Criteria: ACMG Guidelines, 2015. Collection method: not provided. Allele origin: germline. Inheritance: Autosomal recessive inheritance. Affected: yes.

Natera, Inc.
Classification: Uncertain significance for Usher syndrome type 2A. Last evaluated: 2020-01-17. Review status: no assertion criteria provided. Collection method: clinical testing. Allele origin: germline. Not counted in ClinVar's aggregate classification.